The following is an entry in ClinVar:

NM_002971.6(SATB1):c.108C>G (p.Asn36Lys)

Gene: SATB1 (SATB homeobox 1; minus strand). Cytogenetic location: 3p24.3.
Variant type: single nucleotide variant.
Coding change: c.108C>G on transcript NM_002971.6 (MANE Select); coding-DNA position 108, C replaced by G.
Protein change: p.Asn36Lys; replaces asparagine 36 with lysine.
Molecular consequence: missense variant. On other transcripts: intron variant (1).
Genome position (GRCh38, 1-based): chr3:18,420,860, G>C on the plus strand (C>G on the coding strand, the complement: SATB1 is on the minus strand). VCF-style: chr3-18420860-G-C. GRCh37 (hg19) VCF-style: chr3-18462352-G-C.
Other names: c.108C>G, p.Asn36Lys (NM_001131010.4, NM_001195470.3, NM_001322871.2 and 4 more transcripts); c.-5-3782C>G (NM_001322876.2); short protein forms N36K.
Identifiers: ClinVar variation 3898821 (VCV003898821.1).

ClinVar aggregate classification (germline): Uncertain significance (1 of 4 stars; one submission).

Submission:

GeneDx
Classification: Uncertain significance. Last evaluated: 2024-11-11. Review status: criteria provided, single submitter. Criteria: GeneDx Variant Classification Process June 2021. Collection method: clinical testing. Allele origin: germline. Affected: yes.
Comment: Not observed at significant frequency in large population cohorts (gnomAD); In silico analysis supports that this missense variant has a deleterious effect on protein structure/function; Has not been previously published as pathogenic or benign to our knowledge